The following is an entry in ClinVar:

ClinVar aggregate classification (germline): Uncertain significance. Review status: criteria provided, multiple submitters, no conflicts (2 of 4 stars). 2 submissions from 2 submitters: Uncertain significance (2). Last evaluated 2025-02-03.

Conditions:
Inborn genetic diseases. Identifiers: MedGen C0950123, MeSH D030342.
Deficiency of isobutyryl-CoA dehydrogenase. Also called: IBD DEFICIENCY; ACYL-CoA DEHYDROGENASE FAMILY, MEMBER 8, DEFICIENCY OF; ACAD8 DEFICIENCY. Identifiers: Orphanet 79159, MedGen C1969809, MONDO:0012648, OMIM 611283.

Allele frequency attached by ClinVar (database versions not stated): gnomAD 0.00002 and 0.00003; gnomAD exomes 0.00003; ExAC 0.00005; TOPMed 0.00005; 1000 Genomes Project 30x 0.00016; 1000 Genomes Project 0.00020.
gnomAD v4.1: 47 of 1,613,740 alleles (0.0029%); highest among the groups gnomAD compares: Admixed American, 0.015%; no homozygotes.

Submissions (2):

Labcorp Genetics (formerly Invitae), Labcorp
Classification: Uncertain significance for Deficiency of isobutyryl-CoA dehydrogenase. Last evaluated: 2025-02-03. Review status: criteria provided, single submitter. Criteria: Invitae Variant Classification Sherloc (09022015). Collection method: clinical testing. Allele origin: germline.
Comment: This sequence change falls in intron 7 of the ACAD8 gene. It does not directly change the encoded amino acid sequence of the ACAD8 protein. It affects a nucleotide within the consensus splice site. This variant is present in population databases (rs199738913, gnomAD 0.01%). This variant has not been reported in the literature in individuals affected with ACAD8-related conditions. ClinVar contains an entry for this variant (Variation ID: 1379036). Variants that disrupt the consensus splice site are a relatively common cause of aberrant splicing (PMID: 17576681, 9536098). Algorithms developed to predict the effect of sequence changes on RNA splicing suggest that this variant is not likely to affect RNA splicing. In summary, the available evidence is currently insufficient to determine the role of this variant in disease. Therefore, it has been classified as a Variant of Uncertain Significance.

Ambry Genetics
Classification: Uncertain significance for Inborn genetic diseases. Last evaluated: 2021-06-02. Review status: criteria provided, single submitter. Criteria: Ambry Variant Classification Scheme 2023. Collection method: clinical testing. Allele origin: germline.
Comment: The c.841+6A>C intronic alteration consists of a A to C substitution nucleotides after coding exon 7 in the ACAD8 gene. Based on insufficient or conflicting evidence, the clinical significance of this alteration remains unclear.

Literature cited by the submitters: PubMed 17576681 (cited by Labcorp Genetics (formerly Invitae), Labcorp); PubMed 9536098 (cited by Labcorp Genetics (formerly Invitae), Labcorp).

NM_014384.3(ACAD8):c.841+6A>C

Gene: ACAD8 (acyl-CoA dehydrogenase family member 8; plus strand). Cytogenetic location: 11q25.
Variant type: single nucleotide variant.
Coding change: c.841+6A>C on transcript NM_014384.3 (MANE Select); 6 bases into the intron after coding-DNA position 841, A replaced by C.
Molecular consequence: intron variant.
Genome position (GRCh38, 1-based): chr11:134,261,185, A>C. VCF-style: chr11-134261185-A-C. GRCh37 (hg19) VCF-style: chr11-134131079-A-C.
Other names: c.841+6A>C (NM_014384.2).
Identifiers: ClinVar variation 1379036 (VCV001379036.5), dbSNP rs199738913, ClinGen allele CA6373091.